The following is an entry in ClinVar:

NM_000432.4(MYL2):c.-3A>G

Genes: MYL2 (myosin light chain 2; minus strand), LOC114827850 (VISTA enhancer hs2149; plus strand). Cytogenetic location: 12q24.11.
Variant type: single nucleotide variant.
Coding change: c.-3A>G on transcript NM_000432.4 (MANE Select); 3 bases upstream of the start codon, A replaced by G.
Molecular consequence: 5 prime UTR variant.
Genome position (GRCh38, 1-based): chr12:110,920,532, T>C on the plus strand (A>G on the coding strand, the complement: MYL2 is on the minus strand). VCF-style: chr12-110920532-T-C. GRCh37 (hg19) VCF-style: chr12-111358336-T-C.
Identifiers: ClinVar variation 927913 (VCV000927913.3), dbSNP rs1313785501, ClinGen allele CA683559990.

ClinVar aggregate classification (germline): Likely benign. Review status: criteria provided, multiple submitters, no conflicts (2 of 4 stars). 2 submissions from 2 submitters: Likely benign (2). Last evaluated 2023-12-13.

Conditions:
Cardiomyopathy (CMYO). Also called: Cardiomyopathies. Identifiers: Orphanet 167848, MedGen C0878544, MONDO:0004994, HP:0001638. Inheritance: Various modes of inheritance.
Hypertrophic cardiomyopathy. Also called: HYPERTROPHIC MYOCARDIOPATHY. Identifiers: Orphanet 217569, MedGen C0007194, MeSH D002312, MONDO:0005045, HP:0001639.

Allele frequency attached by ClinVar (database versions not stated): TOPMed 0.00002.

Submissions (2):

All of Us Research Program, National Institutes of Health
Classification: Likely benign for Hypertrophic cardiomyopathy. Last evaluated: 2023-12-13. Review status: criteria provided, single submitter. Criteria: ACMG Guidelines, 2015. Collection method: clinical testing. Allele origin: germline. Inheritance: Autosomal dominant inheritance. Observed: 1 variant allele, 1 heterozygote.
Comment: This study involves interpretation of variants in research participants for the purpose of population health screening. Participant phenotype was not available at the time of variant classification. Additional details can be found in publication PMID: 35346344, PMCID: PMC8962531

Color Diagnostics, LLC DBA Color Health
Classification: Likely benign for Cardiomyopathy. Last evaluated: 2019-10-07. Review status: criteria provided, single submitter. Criteria: ACMG Guidelines, 2015. Collection method: clinical testing. Allele origin: germline.